The following is an entry in ClinVar:

NM_000238.4(KCNH2):c.2837C>T (p.Pro946Leu)

Gene: KCNH2 (potassium voltage-gated channel subfamily H member 2; minus strand). Cytogenetic location: 7q36.1.
Variant type: single nucleotide variant.
Coding change: c.2837C>T on transcript NM_000238.4 (MANE Select); coding-DNA position 2837, C replaced by T.
Protein change: p.Pro946Leu; replaces proline 946 with leucine.
Molecular consequence: missense variant.
Genome position (GRCh38, 1-based): chr7:150,947,734, G>A on the plus strand (C>T on the coding strand, the complement: KCNH2 is on the minus strand). VCF-style: chr7-150947734-G-A. GRCh37 (hg19) VCF-style: chr7-150644822-G-A.
Other names: c.1817C>T, p.Pro606Leu (NM_172057.3); short protein forms P606L, P946L.
Identifiers: ClinVar variation 1008413 (VCV001008413.8), dbSNP rs1800964240, ClinGen allele CA369853291.

ClinVar aggregate classification (germline): Uncertain significance (1 of 4 stars; one submission).

Conditions:
Long QT syndrome (LQTS). Identifiers: MedGen C0023976, MeSH D008133, MONDO:0002442. Disease mechanism: loss of function. Inheritance: Various modes of inheritance.

Submission:

Labcorp Genetics (formerly Invitae), Labcorp
Classification: Uncertain significance for Long QT syndrome. Last evaluated: 2020-10-12. Review status: criteria provided, single submitter. Criteria: Invitae Variant Classification Sherloc (09022015). Collection method: clinical testing. Allele origin: germline.
Comment: In summary, the available evidence is currently insufficient to determine the role of this variant in disease. Therefore, it has been classified as a Variant of Uncertain Significance. Algorithms developed to predict the effect of missense changes on protein structure and function (SIFT, PolyPhen-2, Align-GVGD) all suggest that this variant is likely to be tolerated, but these predictions have not been confirmed by published functional studies and their clinical significance is uncertain. This variant has been observed in individual(s) with a prolonged QTc interval (Invitae). The frequency data for this variant in the population databases is considered unreliable, as metrics indicate insufficient coverage at this position in the ExAC database. This sequence change replaces proline with leucine at codon 946 of the KCNH2 protein (p.Pro946Leu). The proline residue is moderately conserved and there is a moderate physicochemical difference between proline and leucine.